The following is an entry in ClinVar:

NM_177438.3(DICER1):c.1244C>G (p.Ser415Cys)

Gene: DICER1 (dicer 1, ribonuclease III; minus strand). Cytogenetic location: 14q32.13.
Variant type: single nucleotide variant.
Coding change: c.1244C>G on transcript NM_177438.3 (MANE Select); coding-DNA position 1244, C replaced by G.
Protein change: p.Ser415Cys; replaces serine 415 with cysteine.
Molecular consequence: missense variant. On other transcripts: 5 prime UTR variant (1), non-coding transcript variant (6).
Genome position (GRCh38, 1-based): chr14:95,124,328, G>C on the plus strand (C>G on the coding strand, the complement: DICER1 is on the minus strand). VCF-style: chr14-95124328-G-C. GRCh37 (hg19) VCF-style: chr14-95590665-G-C.
Other names: c.1244C>G, p.Ser415Cys (NM_001195573.1, NM_001271282.3, NM_001291628.2 and 15 more transcripts); c.962C>G, p.Ser321Cys (NM_001395686.1); c.839C>G, p.Ser280Cys (NM_001395687.1, NM_001395688.1, NM_001395689.1 and 3 more transcripts); c.677C>G, p.Ser226Cys (NM_001395691.1); c.-325C>G (NM_001395697.1); short protein forms S280C, S321C, S415C, S226C.
Identifiers: ClinVar variation 1759081 (VCV001759081.2), dbSNP rs2140202778, ClinGen allele CA390886527.

ClinVar aggregate classification (germline): Uncertain significance (1 of 4 stars; one submission).

Conditions:
Hereditary cancer-predisposing syndrome. Also called: Neoplastic Syndromes, Hereditary; Tumor predisposition; Hereditary Cancer Syndrome; Hereditary neoplastic syndrome. Identifiers: Orphanet 140162, MedGen C0027672, MeSH D009386, MONDO:0015356.

Submission:

Ambry Genetics
Classification: Uncertain significance for Hereditary cancer-predisposing syndrome. Last evaluated: 2021-05-14. Review status: criteria provided, single submitter. Criteria: Ambry Variant Classification Scheme 2023. Collection method: clinical testing. Allele origin: germline.
Comment: The p.S415C variant (also known as c.1244C>G), located in coding exon 7 of the DICER1 gene, results from a C to G substitution at nucleotide position 1244. The serine at codon 415 is replaced by cysteine, an amino acid with dissimilar properties. This amino acid position is highly conserved in available vertebrate species. In addition, the in silico prediction for this alteration is inconclusive. Since supporting evidence is limited at this time, the clinical significance of this alteration remains unclear.